The following is an entry in ClinVar:

ClinVar aggregate classification (germline): Uncertain significance (1 of 4 stars; one submission).

Allele frequency attached by ClinVar (database versions not stated): ExAC 0.00001; gnomAD exomes 0.00001; gnomAD 0.00003; TOPMed 0.00003.
gnomAD v4.1: 18 of 1,613,892 alleles (0.0011%); highest among the groups gnomAD compares: African/African-American, 0.0027%; no homozygotes.

Submission:

Labcorp Genetics (formerly Invitae), Labcorp
Classification: Uncertain significance. Last evaluated: 2022-04-09. Review status: criteria provided, single submitter. Criteria: Invitae Variant Classification Sherloc (09022015). Collection method: clinical testing. Allele origin: germline.
Comment: This sequence change replaces arginine, which is basic and polar, with tryptophan, which is neutral and slightly polar, at codon 972 of the ADAMTS13 protein (p.Arg972Trp). The frequency data for this variant in the population databases is considered unreliable, as metrics indicate poor data quality at this position in the gnomAD database. This missense change has been observed in individual(s) with thrombotic thrombocytopenic purpura (PMID: 30046676). Algorithms developed to predict the effect of missense changes on protein structure and function are either unavailable or do not agree on the potential impact of this missense change (SIFT: "Deleterious"; PolyPhen-2: "Possibly Damaging"; Align-GVGD: "Class C0"). In summary, the available evidence is currently insufficient to determine the role of this variant in disease. Therefore, it has been classified as a Variant of Uncertain Significance.

Literature cited by the submitters: PubMed 30046676.

NM_139027.6(ADAMTS13):c.2914C>T (p.Arg972Trp)

Gene: ADAMTS13 (ADAM metallopeptidase with thrombospondin type 1 motif 13; plus strand). Cytogenetic location: 9q34.2.
Variant type: single nucleotide variant.
Coding change: c.2914C>T on transcript NM_139027.6 (MANE Select); coding-DNA position 2914, C replaced by T.
Protein change: p.Arg972Trp; replaces arginine 972 with tryptophan.
Molecular consequence: missense variant. On other transcripts: non-coding transcript variant (1).
Genome position (GRCh38, 1-based): chr9:133,449,835, C>T. VCF-style: chr9-133449835-C-T. GRCh37 (hg19) VCF-style: chr9-136314956-C-T.
Other names: c.2914C>T, p.Arg972Trp (NM_139025.5); c.2821C>T, p.Arg941Trp (NM_139026.6); short protein forms R972W, R941W.
Identifiers: ClinVar variation 2047133 (VCV002047133.1), dbSNP rs782315945, ClinGen allele CA200940036.